The following is an entry in ClinVar:

NM_001292063.2(OTOG):c.1817G>A (p.Arg606Gln)

Gene: OTOG (otogelin; plus strand). Cytogenetic location: 11p15.1.
Variant type: single nucleotide variant.
Coding change: c.1817G>A on transcript NM_001292063.2 (MANE Select); coding-DNA position 1817, G replaced by A.
Protein change: p.Arg606Gln; replaces arginine 606 with glutamine.
Molecular consequence: missense variant.
Genome position (GRCh38, 1-based): chr11:17,570,252, G>A. VCF-style: chr11-17570252-G-A. GRCh37 (hg19) VCF-style: chr11-17591799-G-A.
Other names: c.1853G>A, p.Arg618Gln (NM_001277269.2); short protein forms R606Q, R618Q.
Identifiers: ClinVar variation 3764372 (VCV003764372.2).

ClinVar aggregate classification (germline): Uncertain significance (1 of 4 stars; one submission).

gnomAD v4.1: 32 of 1,550,746 alleles (0.0021%); highest among the groups gnomAD compares: South Asian, 0.0048%; no homozygotes.

Submission:

GeneDx
Classification: Uncertain significance. Last evaluated: 2025-09-17. Review status: criteria provided, single submitter. Criteria: GeneDx Variant Classification Process June 2021. Collection method: clinical testing. Allele origin: germline.
Comment: In silico analysis supports a deleterious effect on splicing; In silico analysis suggests that this missense variant does not alter protein structure/function; Has not been previously published as pathogenic or benign to our knowledge